The following is an entry in ClinVar:

NM_003482.4(KMT2D):c.1397G>T (p.Arg466Leu)

Gene: KMT2D (lysine methyltransferase 2D; minus strand). Cytogenetic location: 12q13.12.
Variant type: single nucleotide variant.
Coding change: c.1397G>T on transcript NM_003482.4 (MANE Select); coding-DNA position 1397, G replaced by T.
Protein change: p.Arg466Leu; replaces arginine 466 with leucine.
Molecular consequence: missense variant.
Genome position (GRCh38, 1-based): chr12:49,052,286, C>A on the plus strand (G>T on the coding strand, the complement: KMT2D is on the minus strand). VCF-style: chr12-49052286-C-A. GRCh37 (hg19) VCF-style: chr12-49446069-C-A.
Other names: short protein forms R466L.
Identifiers: ClinVar variation 2751115 (VCV002751115.3), dbSNP rs952760497, ClinGen allele CA384675038.

ClinVar aggregate classification (germline): Uncertain significance (1 of 4 stars; one submission).

Conditions:
Kabuki syndrome. Also called: NIIKAWA-KUROKI SYNDROME; Kabuki make-up syndrome. Identifiers: Orphanet 2322, MedGen C0796004, MONDO:0016512.

Submission:

Labcorp Genetics (formerly Invitae), Labcorp
Classification: Uncertain significance for Kabuki syndrome. Last evaluated: 2023-11-15. Review status: criteria provided, single submitter. Criteria: Invitae Variant Classification Sherloc (09022015). Collection method: clinical testing. Allele origin: germline.
Comment: This sequence change replaces arginine, which is basic and polar, with leucine, which is neutral and non-polar, at codon 466 of the KMT2D protein (p.Arg466Leu). This variant is not present in population databases (gnomAD no frequency). This variant has not been reported in the literature in individuals affected with KMT2D-related conditions. Advanced modeling of protein sequence and biophysical properties (such as structural, functional, and spatial information, amino acid conservation, physicochemical variation, residue mobility, and thermodynamic stability) performed at Invitae indicates that this missense variant is not expected to disrupt KMT2D protein function with a negative predictive value of 95%. In summary, the available evidence is currently insufficient to determine the role of this variant in disease. Therefore, it has been classified as a Variant of Uncertain Significance.